The following is an entry in ClinVar:

ClinVar aggregate classification (germline): Likely benign (1 of 4 stars; one submission).

gnomAD v4.1: 62 of 1,605,740 alleles (0.0039%); highest among the groups gnomAD compares: East Asian, 0.13%; no homozygotes.

Submission:

CeGaT Center for Human Genetics Tuebingen
Classification: Likely benign. Last evaluated: 2025-09-01. Review status: criteria provided, single submitter. Criteria: CeGaT Center For Human Genetics Tuebingen Variant Classification Criteria Version 2. Collection method: clinical testing. Allele origin: germline. Affected: yes. Observed: 1 variant allele.
Comment: HIP1: BP4

NM_005338.7(HIP1):c.604+6T>A

Gene: HIP1 (huntingtin interacting protein 1; minus strand). Cytogenetic location: 7q11.23.
Variant type: single nucleotide variant.
Coding change: c.604+6T>A on transcript NM_005338.7 (MANE Select); 6 bases into the intron after coding-DNA position 604, T replaced by A.
Molecular consequence: intron variant.
Genome position (GRCh38, 1-based): chr7:75,581,231, A>T on the plus strand (T>A on the coding strand, the complement: HIP1 is on the minus strand). VCF-style: chr7-75581231-A-T. GRCh37 (hg19) VCF-style: chr7-75210547-A-T.
Other names: c.604+6T>A (NM_001243198.3); c.502+6T>A (NM_001382444.1); c.517+6T>A (NM_001382445.1).
Identifiers: ClinVar variation 4281188 (VCV004281188.7).